The following is an entry in ClinVar:

ClinVar aggregate classification (germline): Uncertain significance (1 of 4 stars; one submission).

Conditions:
Charcot-Marie-Tooth disease axonal type 2O. Also called: Charcot-Marie-Tooth disease, axonal, type 20; CHARCOT-MARIE-TOOTH NEUROPATHY, AXONAL, TYPE 2O; CHARCOT-MARIE-TOOTH DISEASE, AXONAL, AUTOSOMAL DOMINANT, TYPE 2O; Charcot-Marie-Tooth Neuropathy Type 2O. Identifiers: Orphanet 284232, MedGen C3280220, MONDO:0013644, OMIM 614228.

Submission:

Labcorp Genetics (formerly Invitae), Labcorp
Classification: Uncertain significance for Charcot-Marie-Tooth disease axonal type 2O. Last evaluated: 2024-05-28. Review status: criteria provided, single submitter. Criteria: Invitae Variant Classification Sherloc (09022015). Collection method: clinical testing. Allele origin: germline.
Comment: This sequence change replaces alanine, which is neutral and non-polar, with threonine, which is neutral and polar, at codon 4051 of the DYNC1H1 protein (p.Ala4051Thr). This variant is not present in population databases (gnomAD no frequency). This variant has not been reported in the literature in individuals affected with DYNC1H1-related conditions. Advanced modeling of protein sequence and biophysical properties (such as structural, functional, and spatial information, amino acid conservation, physicochemical variation, residue mobility, and thermodynamic stability) performed at Invitae indicates that this missense variant is not expected to disrupt DYNC1H1 protein function with a negative predictive value of 95%. In summary, the available evidence is currently insufficient to determine the role of this variant in disease. Therefore, it has been classified as a Variant of Uncertain Significance.

NM_001376.5(DYNC1H1):c.12151G>A (p.Ala4051Thr)

Gene: DYNC1H1 (dynein cytoplasmic 1 heavy chain 1; plus strand). Cytogenetic location: 14q32.31.
Variant type: single nucleotide variant.
Coding change: c.12151G>A on transcript NM_001376.5 (MANE Select); coding-DNA position 12151, G replaced by A.
Protein change: p.Ala4051Thr; replaces alanine 4051 with threonine.
Molecular consequence: missense variant.
Genome position (GRCh38, 1-based): chr14:102,042,061, G>A. VCF-style: chr14-102042061-G-A. GRCh37 (hg19) VCF-style: chr14-102508398-G-A.
Other names: short protein forms A4051T.
Identifiers: ClinVar variation 3636185 (VCV003636185.2).